The following is an entry in ClinVar:

ClinVar aggregate classification (germline): Likely benign (1 of 4 stars; one submission).

Allele frequency attached by ClinVar (database versions not stated): gnomAD 0.00003; TOPMed 0.00001.
gnomAD v4.1: 4 of 152,828 alleles (0.0026%); highest among the groups gnomAD compares: African/African-American, 0.0096%; no homozygotes.

Submission:

GeneDx
Classification: Likely benign. Last evaluated: 2016-07-22. Review status: criteria provided, single submitter. Criteria: GeneDx Variant Classification (06012015). Collection method: clinical testing. Allele origin: germline. Affected: yes.
Comment: This variant is considered likely benign or benign based on one or more of the following criteria: it is a conservative change, it occurs at a poorly conserved position in the protein, it is predicted to be benign by multiple in silico algorithms, and/or has population frequency not consistent with disease.

NM_021911.3(GABRB2):c.-153+3G>A

Gene: GABRB2 (gamma-aminobutyric acid type A receptor subunit beta2; minus strand). Cytogenetic location: 5q34.
Variant type: single nucleotide variant.
Coding change: c.-153+3G>A on transcript NM_021911.3; 3 bases into the intron after 153 bases upstream of the start codon, G replaced by A.
Molecular consequence: intron variant.
Genome position (GRCh38, 1-based): chr5:161,548,056, C>T on the plus strand (G>A on the coding strand, the complement: GABRB2 is on the minus strand). VCF-style: chr5-161548056-C-T. GRCh37 (hg19) VCF-style: chr5-160975062-C-T.
Other names: c.-153+3G>A (NM_000813.3).
Identifiers: ClinVar variation 388004 (VCV000388004.3), dbSNP rs892047281, ClinGen allele CA16604849.